The following is an entry in ClinVar:

ClinVar aggregate classification (germline): Conflicting classifications of pathogenicity. Review status: criteria provided, conflicting classifications (1 of 4 stars). 7 submissions from 7 submitters: Uncertain significance (1); Benign (3); Likely benign (2). 1 of the submissions does not count toward it. Last evaluated 2025-09-01.

Conditions:
LRTOMT-related disorder. Also called: LRTOMT-related condition.
Autosomal recessive nonsyndromic hearing loss 63. Identifiers: Orphanet 90636, MedGen C1969621, MONDO:0012670, OMIM 611451.

Allele frequency attached by ClinVar (database versions not stated): 1000 Genomes Project 30x 0.00328; 1000 Genomes Project 0.00359; TOPMed 0.00439; gnomAD 0.00455 and 0.00473; gnomAD exomes 0.00479; ExAC 0.00493; ESP Exome Variant Server 0.00531.
gnomAD v4.1: 10,113 of 1,614,014 alleles (0.63%); highest among the groups gnomAD compares: Non-Finnish European, 0.73%; 44 homozygotes.

Submissions (7):

CeGaT Center for Human Genetics Tuebingen
Classification: Likely benign. Last evaluated: 2025-09-01. Review status: criteria provided, single submitter. Criteria: CeGaT Center For Human Genetics Tuebingen Variant Classification Criteria Version 2. Collection method: clinical testing. Allele origin: germline. Affected: yes. Observed: 6 variant alleles.
Comment: LRRC51: BP4, BS2; LRTOMT: BP4, BS2

Dubai Health Genomic Medicine Center, Dubai Health
Classification: Benign for Autosomal recessive nonsyndromic hearing loss 63. Last evaluated: 2020-01-08. Review status: criteria provided, single submitter. Criteria: ACMG Guidelines, 2015. Collection method: clinical testing. Allele origin: germline. Affected: yes.

ARUP Laboratories, Molecular Genetics and Genomics, ARUP Laboratories
Classification: Benign for Autosomal recessive nonsyndromic hearing loss 63. Last evaluated: 2019-02-25. Review status: criteria provided, single submitter. Criteria: ARUP Molecular Germline Variant Investigation Process. Collection method: clinical testing. Allele origin: germline.

GeneDx
Classification: Likely benign. Last evaluated: 2018-07-23. Review status: criteria provided, single submitter. Criteria: GeneDx Variant Classification Process June 2021. Collection method: clinical testing. Allele origin: germline. Affected: yes.

Illumina Laboratory Services, Illumina
Classification: Uncertain significance for Autosomal recessive nonsyndromic hearing loss 63. Last evaluated: 2018-01-12. Review status: criteria provided, single submitter. Criteria: ICSL Variant Classification Criteria 13 December 2019. Collection method: clinical testing. Allele origin: germline.

Laboratory for Molecular Medicine, Mass General Brigham Personalized Medicine
Classification: Benign. Last evaluated: 2012-04-30. Review status: criteria provided, single submitter. Criteria: LMM Criteria. Collection method: clinical testing. Allele origin: germline. Observed: 11 variant alleles.
Comment: Gly118Arg in Exon 05 of LRTOMT: This variant is not expected to have clinical si gnificance because it has been identified in 0.6% (43/7020) of European American chromosomes from a broad population by the NHLBI Exome Sequencing Project (dbSNP rs149637884).

PreventionGenetics, part of Exact Sciences
Classification: Benign for LRTOMT-related condition. Last evaluated: 2019-06-20. Review status: no assertion criteria provided. Collection method: clinical testing. Allele origin: germline. Not counted in ClinVar's aggregate classification.
Comment: This variant is classified as benign based on ACMG/AMP sequence variant interpretation guidelines (Richards et al. 2015 PMID: 25741868, with internal and published modifications).

NM_145309.6(LRRC51):c.352G>C (p.Gly118Arg)

Genes: LRTOMT (leucine rich transmembrane and O-methyltransferase domain containing; plus strand), LRRC51 (leucine rich repeat containing 51; plus strand). Cytogenetic location: 11q13.4.
Variant type: single nucleotide variant.
Coding change: c.352G>C on transcript NM_145309.6 (MANE Select); coding-DNA position 352, G replaced by C.
Protein change: p.Gly118Arg; replaces glycine 118 with arginine.
Molecular consequence: missense variant. On other transcripts: non-coding transcript variant (2), 5 prime UTR variant (3).
Genome position (GRCh38, 1-based): chr11:72,095,011, G>C. VCF-style: chr11-72095011-G-C. GRCh37 (hg19) VCF-style: chr11-71806057-G-C.
Other names: c.352G>C, p.Gly118Arg (NM_001145307.5, NM_001271471.3, NM_001318803.2); c.298G>C, p.Gly100Arg (NM_001205138.4); c.-52G>C (NM_001145308.5, NM_001145309.4, NM_001145310.4); c.352G>C (NM_001318803.1); short protein forms G118R, G100R.
Identifiers: ClinVar variation 226718 (VCV000226718.44), dbSNP rs149637884, ClinGen allele CA6168226.